The following is an entry in ClinVar:

NM_006922.4(SCN3A):c.3477C>T (p.Pro1159=)

Gene: SCN3A (sodium voltage-gated channel alpha subunit 3; minus strand). Cytogenetic location: 2q24.3.
Variant type: single nucleotide variant.
Coding change: c.3477C>T on transcript NM_006922.4 (MANE Select); coding-DNA position 3477, C replaced by T.
Protein change: p.Pro1159=; no amino-acid change (proline 1159 retained).
Molecular consequence: synonymous variant.
Genome position (GRCh38, 1-based): chr2:165,115,492, G>A on the plus strand (C>T on the coding strand, the complement: SCN3A is on the minus strand). VCF-style: chr2-165115492-G-A. GRCh37 (hg19) VCF-style: chr2-165972002-G-A.
Other names: c.3330C>T, p.Pro1110= (NM_001081676.2, NM_001081677.2).
Identifiers: ClinVar variation 760948 (VCV000760948.41), dbSNP rs147316838, ClinGen allele CA1938786.

ClinVar aggregate classification (germline): Likely benign. Review status: criteria provided, multiple submitters, no conflicts (2 of 4 stars). 2 submissions from 2 submitters: Likely benign (2). Last evaluated 2025-03-10.

Allele frequency attached by ClinVar (database versions not stated): gnomAD 0.00001; TOPMed 0.00001.
gnomAD v4.1: 23 of 1,612,960 alleles (0.0014%); highest among the groups gnomAD compares: Middle Eastern, 0.033%; no homozygotes.

Submissions (2):

Labcorp Genetics (formerly Invitae), Labcorp
Classification: Likely benign. Last evaluated: 2025-03-10. Review status: criteria provided, single submitter. Criteria: Invitae Variant Classification Sherloc (09022015). Collection method: clinical testing. Allele origin: germline.

CeGaT Center for Human Genetics Tuebingen
Classification: Likely benign. Last evaluated: 2022-04-01. Review status: criteria provided, single submitter. Criteria: CeGaT Center For Human Genetics Tuebingen Variant Classification Criteria Version 2. Collection method: clinical testing. Allele origin: germline. Affected: yes. Observed: 1 variant allele.
Comment: SCN3A: BP4, BP7